The following is an entry in ClinVar:

NM_199420.4(POLQ):c.3104T>C (p.Met1035Thr)

Gene: POLQ (DNA polymerase theta; minus strand). Cytogenetic location: 3q13.33.
Variant type: single nucleotide variant.
Coding change: c.3104T>C on transcript NM_199420.4 (MANE Select); coding-DNA position 3104, T replaced by C.
Protein change: p.Met1035Thr; replaces methionine 1035 with threonine.
Molecular consequence: missense variant.
Genome position (GRCh38, 1-based): chr3:121,489,827, A>G on the plus strand (T>C on the coding strand, the complement: POLQ is on the minus strand). VCF-style: chr3-121489827-A-G. GRCh37 (hg19) VCF-style: chr3-121208674-A-G.
Other names: short protein forms M1035T.
Identifiers: ClinVar variation 3422605 (VCV003422605.1).

ClinVar aggregate classification (germline): Uncertain significance (1 of 4 stars; one submission).

Submission:

Ambry Genetics
Classification: Uncertain significance. Last evaluated: 2024-10-19. Review status: criteria provided, single submitter. Criteria: Ambry Variant Classification Scheme 2023. Collection method: clinical testing. Allele origin: germline.
Comment: The p.M1035T variant (also known as c.3104T>C), located in coding exon 16 of the POLQ gene, results from a T to C substitution at nucleotide position 3104. The methionine at codon 1035 is replaced by threonine, an amino acid with similar properties. This amino acid position is conserved. In addition, this alteration is predicted to be tolerated by in silico analysis. Based on the available evidence, the clinical significance of this variant remains unclear.